The following is an entry in ClinVar:

ClinVar aggregate classification (germline): Pathogenic (1 of 4 stars; one submission).

Submission:

Labcorp Genetics (formerly Invitae), Labcorp
Classification: Pathogenic. Last evaluated: 2022-06-22. Review status: criteria provided, single submitter. Criteria: Invitae Variant Classification Sherloc (09022015). Collection method: clinical testing. Allele origin: germline.
Comment: A gross deletion of the genomic region encompassing the full coding sequence of the GNPAT gene has been identified. Loss-of-function variants in GNPAT are known to be pathogenic (PMID: 9536089, 21990100). The boundaries of this event are unknown as they extend beyond the assayed region for this gene and therefore may encompass additional genes. This variant has not been reported in the literature in individuals affected with GNPAT-related conditions. For these reasons, this variant has been classified as Pathogenic.

Literature cited by the submitters: PubMed 9536089; PubMed 21990100.

NC_000001.10:g.(?_229567246)_(231413288_?)del

Genes: ABCB10 (ATP binding cassette subfamily B member 10; minus strand), ACTA1 (actin alpha 1, skeletal muscle; minus strand), AGT (angiotensinogen; minus strand), ARV1 (ARV1 homolog, fatty acid homeostasis modulator; plus strand), C1orf198 (chromosome 1 open reading frame 198; minus strand) and 12 more. Cytogenetic location: 1q42.13-42.2.
Variant type: Deletion.
Identifiers: ClinVar variation 2425915 (VCV002425915.2).